The following is an entry in ClinVar:

NM_001098816.3(TENM4):c.6524G>A (p.Arg2175Gln)

Gene: TENM4 (teneurin transmembrane protein 4; minus strand). Cytogenetic location: 11q14.1.
Variant type: single nucleotide variant.
Coding change: c.6524G>A on transcript NM_001098816.3 (MANE Select); coding-DNA position 6524, G replaced by A.
Protein change: p.Arg2175Gln; replaces arginine 2175 with glutamine.
Molecular consequence: missense variant.
Genome position (GRCh38, 1-based): chr11:78,669,821, C>T on the plus strand (G>A on the coding strand, the complement: TENM4 is on the minus strand). VCF-style: chr11-78669821-C-T. GRCh37 (hg19) VCF-style: chr11-78380866-C-T.
Other names: short protein forms R2175Q.
Identifiers: ClinVar variation 2642211 (VCV002642211.24), dbSNP rs745950858, ClinGen allele CA6206402.
Genomic context (GRCh38, chr11:78,669,821, plus strand): 5'-TCATAGGAGTAGCGAGTGGTATTGGCGTAGGGTCCTACCTTCAGCTCCTTCTTCACTACT[C>T]GCCCCATGTTATCATACTGGACGGTCATCCAGTACATGAGCGAGCGGAAGATCTCATACT-3'
Protein context (NP_001092286.2, residues 2165-2185): WMTVQYDNMG[Arg2175Gln]VVKKELKVGP

ClinVar aggregate classification (germline): Uncertain significance (1 of 4 stars; one submission).

Allele frequency attached by ClinVar (database versions not stated): TOPMed below 0.00001; ExAC 0.00003.
gnomAD v4.1: 10 of 1,613,912 alleles (0.00062%); highest among the groups gnomAD compares: South Asian, 0.0088%; no homozygotes.

Submission:

CeGaT Center for Human Genetics Tuebingen
Classification: Uncertain significance. Last evaluated: 2023-02-01. Review status: criteria provided, single submitter. Criteria: CeGaT Center For Human Genetics Tuebingen Variant Classification Criteria Version 2. Collection method: clinical testing. Allele origin: germline. Affected: yes. Observed: 1 variant allele.
Comment: TENM4: PP3